The following is an entry in ClinVar:

NM_025265.4(TSEN2):c.1100-5T>A

Gene: TSEN2 (tRNA splicing endonuclease subunit 2; plus strand). Cytogenetic location: 3p25.2.
Variant type: single nucleotide variant.
Coding change: c.1100-5T>A on transcript NM_025265.4 (MANE Select); 5 bases into the intron before coding-DNA position 1100, T replaced by A.
Molecular consequence: intron variant.
Genome position (GRCh38, 1-based): chr3:12,528,883, T>A. VCF-style: chr3-12528883-T-A. GRCh37 (hg19) VCF-style: chr3-12570382-T-A.
Other names: c.1100-5T>A (NM_001321278.2, NM_001145392.2, NM_001321277.2); c.1022-5T>A (NM_001321279.2, NM_001145393.3); c.923-5T>A (NM_001145394.2).
Identifiers: ClinVar variation 2683805 (VCV002683805.17), dbSNP rs759981027, ClinGen allele CA2586971729.
Genomic context (GRCh38, chr3:12,528,883, plus strand): 5'-TGAGTCTTACTCCTCTCTCATTATTTTGAGTGGTTATACTTCTTTTTTTTCTTTCTTCTT[T>A]GCAGTGCTATATCGGAAAGGCCCTCCATTTTACCATGCAAGGTTCGGAGTGATTTTTAAA-3'

ClinVar aggregate classification (germline): Likely pathogenic. Review status: criteria provided, single submitter (1 of 4 stars). 2 submissions from 2 submitters: Likely pathogenic (1). 1 of the submissions does not count toward it. Last evaluated 2024-09-01.

Conditions:
Hemolytic-uremic syndrome. Identifiers: Orphanet 544458, MedGen C0019061, MONDO:0001549, HP:0005575.

Submissions (2):

CeGaT Center for Human Genetics Tuebingen
Classification: Likely pathogenic. Last evaluated: 2024-09-01. Review status: criteria provided, single submitter. Criteria: CeGaT Center For Human Genetics Tuebingen Variant Classification Criteria Version 2. Collection method: clinical testing. Allele origin: germline. Affected: yes. Observed: 2 variant alleles.
Comment: TSEN2: PM2, PM3, PS3:Moderate

Nephrogenetics Laboratory, Hacettepe University
Classification: Pathogenic for Hemolytic-uremic syndrome; Craniofacial disproportion. Last evaluated: 2021-12-19. Review status: no assertion criteria provided. Collection method: research, in vivo, in vitro. Allele origin: germline, not applicable. Inheritance: Autosomal recessive inheritance. Affected: yes. Observed: 6 homozygotes. Clinical features observed: Microcephaly (HP:0000252), Triangular face (HP:0000325), Microretrognathia (HP:0000308), Small, conical teeth (HP:0200141), Deeply set eye (HP:0000490), Sparse eyebrow (HP:0045075), Blue sclerae (HP:0000592), Prominent nasal bridge (HP:0000426), Long nose (HP:0003189), Long philtrum (HP:0000343), Brachyturricephaly (HP:0000244), Prominent supraorbital ridges (HP:0000336), and 22 more. Functional consequence: effect on RNA splicing. Not counted in ClinVar's aggregate classification.

Literature cited by the submitters: PubMed 34964109 (cited by Nephrogenetics Laboratory, Hacettepe University).